The following is an entry in ClinVar:

ClinVar aggregate classification (germline): Uncertain significance (1 of 4 stars; one submission).

Conditions:
Hereditary cancer-predisposing syndrome. Also called: Tumor predisposition; Hereditary Cancer Syndrome; Neoplastic Syndromes, Hereditary; Hereditary neoplastic syndrome. Identifiers: Orphanet 140162, MedGen C0027672, MeSH D009386, MONDO:0015356.

Submission:

Ambry Genetics
Classification: Uncertain significance for Hereditary cancer-predisposing syndrome. Last evaluated: 2024-12-05. Review status: criteria provided, single submitter. Criteria: Ambry Variant Classification Scheme 2023. Collection method: clinical testing. Allele origin: germline.
Comment: The c.6453-593A>G intronic variant results from an A to G substitution 593 nucleotides upstream from coding exon 44 in the ATM gene. This nucleotide position is well conserved in available vertebrate species. In silico splice site analysis predicts that this alteration may result in the creation or strengthening of a novel splice acceptor site; however, direct evidence is insufficient at this time (Ambry internal data). Based on the available evidence, the clinical significance of this variant remains unclear.

NM_000051.4(ATM):c.6453-593A>G

Genes: ATM (ATM serine/threonine kinase; plus strand), C11orf65 (chromosome 11 open reading frame 65; minus strand). Cytogenetic location: 11q22.3.
Variant type: single nucleotide variant.
Coding change: c.6453-593A>G on transcript NM_000051.4 (MANE Select); 593 bases into the intron before coding-DNA position 6453, A replaced by G.
Molecular consequence: intron variant.
Genome position (GRCh38, 1-based): chr11:108,320,708, A>G. VCF-style: chr11-108320708-A-G. GRCh37 (hg19) VCF-style: chr11-108191435-A-G.
Other names: c.6453-593A>G (NM_001351834.2); c.641-11637T>C (NM_001330368.2); c.*39-11637T>C (NM_001351110.2).
Identifiers: ClinVar variation 3453021 (VCV003453021.1).